The following is an entry in ClinVar:

NM_000124.4(ERCC6):c.2801C>T (p.Pro934Leu)

Genes: ERCC6 (ERCC excision repair 6, chromatin remodeling factor; minus strand), LOC126860933 (BRD4-independent group 4 enhancer GRCh37_chr10:50679962-50681161; plus strand). Cytogenetic location: 10q11.23.
Variant type: single nucleotide variant.
Coding change: c.2801C>T on transcript NM_000124.4 (MANE Select); coding-DNA position 2801, C replaced by T.
Protein change: p.Pro934Leu; replaces proline 934 with leucine.
Molecular consequence: missense variant.
Genome position (GRCh38, 1-based): chr10:49,472,937, G>A on the plus strand (C>T on the coding strand, the complement: ERCC6 is on the minus strand). VCF-style: chr10-49472937-G-A. GRCh37 (hg19) VCF-style: chr10-50680983-G-A.
Other names: c.2801C>T, p.Pro934Leu (NM_001346440.2); short protein forms P934L.
Identifiers: ClinVar variation 4527795 (VCV004527795.1).

ClinVar aggregate classification (germline): Uncertain significance (1 of 4 stars; one submission).

gnomAD v4.1: 7 of 1,613,764 alleles (0.00043%); highest among the groups gnomAD compares: Admixed American, 0.0083%; no homozygotes.

Submission:

GeneDx
Classification: Uncertain significance. Last evaluated: 2025-05-01. Review status: criteria provided, single submitter. Criteria: GeneDx Variant Classification Process June 2021. Collection method: clinical testing. Allele origin: germline. Affected: yes.
Comment: In silico analysis supports that this missense variant has a deleterious effect on protein structure/function; Has not been previously published as pathogenic or benign to our knowledge